The following is an entry in ClinVar:

NM_001371727.1(GABRB2):c.421C>T (p.Arg141Cys)

Gene: GABRB2 (gamma-aminobutyric acid type A receptor subunit beta2; minus strand). Cytogenetic location: 5q34.
Variant type: single nucleotide variant.
Coding change: c.421C>T on transcript NM_001371727.1 (MANE Select); coding-DNA position 421, C replaced by T.
Protein change: p.Arg141Cys; replaces arginine 141 with cysteine.
Molecular consequence: missense variant.
Genome position (GRCh38, 1-based): chr5:161,459,661, G>A on the plus strand (C>T on the coding strand, the complement: GABRB2 is on the minus strand). VCF-style: chr5-161459661-G-A. GRCh37 (hg19) VCF-style: chr5-160886667-G-A.
Other names: c.421C>T, p.Arg141Cys (NM_000813.3, NM_021911.3); short protein forms R141C.
Identifiers: ClinVar variation 1932029 (VCV001932029.5), dbSNP rs2113263764, ClinGen allele CA362173768.

ClinVar aggregate classification (germline): Uncertain significance (1 of 4 stars; one submission).

Conditions:
Intellectual disability. Also called: Intellectual functioning disability; intellectual disabilities; Intellectual developmental disorder. Identifiers: MedGen C3714756, MeSH D008607, MONDO:0001071, HP:0001249.

Submission:

Labcorp Genetics (formerly Invitae), Labcorp
Classification: Uncertain significance for Intellectual disability. Last evaluated: 2022-12-04. Review status: criteria provided, single submitter. Criteria: Invitae Variant Classification Sherloc (09022015). Collection method: clinical testing. Allele origin: germline.
Comment: In summary, the available evidence is currently insufficient to determine the role of this variant in disease. Therefore, it has been classified as a Variant of Uncertain Significance. Advanced modeling of protein sequence and biophysical properties (such as structural, functional, and spatial information, amino acid conservation, physicochemical variation, residue mobility, and thermodynamic stability) performed at Invitae indicates that this missense variant is expected to disrupt GABRB2 protein function. This variant has not been reported in the literature in individuals affected with GABRB2-related conditions. This variant is not present in population databases (gnomAD no frequency). This sequence change replaces arginine, which is basic and polar, with cysteine, which is neutral and slightly polar, at codon 141 of the GABRB2 protein (p.Arg141Cys).